The following is an entry in ClinVar:

ClinVar aggregate classification (germline): Uncertain significance. Review status: criteria provided, multiple submitters, no conflicts (2 of 4 stars). 2 submissions from 2 submitters: Uncertain significance (2). Last evaluated 2018-11-01.

Allele frequency attached by ClinVar (database versions not stated): gnomAD exomes below 0.00001; gnomAD 0.00001; TOPMed 0.00003.
gnomAD v4.1: 6 of 1,614,092 alleles (0.00037%); highest among the groups gnomAD compares: Middle Eastern, 0.016%; no homozygotes.

Submissions (2):

CeGaT Center for Human Genetics Tuebingen
Classification: Uncertain significance. Last evaluated: 2018-11-01. Review status: criteria provided, single submitter. Criteria: CeGaT Center For Human Genetics Tuebingen Variant Classification Criteria Version 2. Collection method: clinical testing. Allele origin: germline. Affected: yes. Observed: 1 variant allele.

GeneDx
Classification: Uncertain significance. Last evaluated: 2017-05-11. Review status: criteria provided, single submitter. Criteria: GeneDx Variant Classification (06012015). Collection method: clinical testing. Allele origin: germline. Affected: yes.
Comment: The R89C variant in the IDH2 gene has not been reported previously as a pathogenic variant, nor as a benign variant, to our knowledge. The R89C variant is not observed in large population cohorts (Lek et al., 2016; 1000 Genomes Consortium et al., 2015; Exome Variant Server). The R89C variant is a non-conservative amino acid substitution, which is likely to impact secondary protein structure as these residues differ in polarity, charge, size and/or other properties. This substitution occurs at a position that is conserved across species. In silico analysis predicts this variant is probably damaging to the protein structure/function. We interpret R89C as a variant of uncertain significance.

NM_002168.4(IDH2):c.265C>T (p.Arg89Cys)

Gene: IDH2 (isocitrate dehydrogenase (NADP(+)) 2; minus strand). Cytogenetic location: 15q26.1.
Variant type: single nucleotide variant.
Coding change: c.265C>T on transcript NM_002168.4 (MANE Select); coding-DNA position 265, C replaced by T.
Protein change: p.Arg89Cys; replaces arginine 89 with cysteine.
Molecular consequence: missense variant. On other transcripts: intron variant (1).
Genome position (GRCh38, 1-based): chr15:90,090,587, G>A on the plus strand (C>T on the coding strand, the complement: IDH2 is on the minus strand). VCF-style: chr15-90090587-G-A. GRCh37 (hg19) VCF-style: chr15-90633819-G-A.
Other names: c.109C>T, p.Arg37Cys (NM_001289910.1); c.-17-1840C>T (NM_001290114.2); short protein forms R37C, R89C.
Identifiers: ClinVar variation 429624 (VCV000429624.44), dbSNP rs997901344, ClinGen allele CA274626561.